The following is an entry in ClinVar:

NM_001134363.3(RBM20):c.2461A>G (p.Lys821Glu)

Gene: RBM20 (RNA binding motif protein 20; plus strand). Cytogenetic location: 10q25.2.
Variant type: single nucleotide variant.
Coding change: c.2461A>G on transcript NM_001134363.3 (MANE Select); coding-DNA position 2461, A replaced by G.
Protein change: p.Lys821Glu; replaces lysine 821 with glutamic acid.
Molecular consequence: missense variant.
Genome position (GRCh38, 1-based): chr10:110,812,858, A>G. VCF-style: chr10-110812858-A-G. GRCh37 (hg19) VCF-style: chr10-112572616-A-G.
Other names: short protein forms K821E.
Identifiers: ClinVar variation 3636975 (VCV003636975.2).

ClinVar aggregate classification (germline): Uncertain significance (1 of 4 stars; one submission).

Conditions:
Dilated cardiomyopathy 1DD (CMD1DD). Identifiers: Orphanet 154, MedGen C2750995, MONDO:0013168, OMIM 613172.

Submission:

Labcorp Genetics (formerly Invitae), Labcorp
Classification: Uncertain significance for Dilated cardiomyopathy 1DD. Last evaluated: 2024-07-23. Review status: criteria provided, single submitter. Criteria: Invitae Variant Classification Sherloc (09022015). Collection method: clinical testing. Allele origin: germline.
Comment: This sequence change replaces lysine, which is basic and polar, with glutamic acid, which is acidic and polar, at codon 821 of the RBM20 protein (p.Lys821Glu). This variant is not present in population databases (gnomAD no frequency). This variant has not been reported in the literature in individuals affected with RBM20-related conditions. Advanced modeling of protein sequence and biophysical properties (such as structural, functional, and spatial information, amino acid conservation, physicochemical variation, residue mobility, and thermodynamic stability) performed at Invitae indicates that this missense variant is not expected to disrupt RBM20 protein function with a negative predictive value of 95%. In summary, the available evidence is currently insufficient to determine the role of this variant in disease. Therefore, it has been classified as a Variant of Uncertain Significance.